The following is an entry in ClinVar:

ClinVar aggregate classification (germline): Pathogenic (1 of 4 stars; one submission).

Submission:

ISCA Site 6
Classification: Pathogenic. Last evaluated: 2011-08-12. Review status: criteria provided, single submitter. Criteria: Kaminsky et al. (Genet Med. 2011). Collection method: clinical testing. Allele origin: unknown, de novo. Affected: yes. Observed: 2 variant alleles.
Comment: Copy number variation identified through the course of routine clinical cytogenomic testing in postnatal populations. Clinical assertions have been curated as described in Kaminsky et al. 2011.

GRCh38/hg38 15q13.2-13.3(chr15:30592358-32121422)x1

Genes: LINC02352 (long intergenic non-protein coding RNA 2352; plus strand), ARHGAP11B (Rho GTPase activating protein 11B), ARHGAP11B-DT (ARHGAP11B divergent transcript), CHRNA7 (cholinergic receptor nicotinic alpha 7 subunit), FAN1 (FANCD2 and FANCI associated nuclease 1; plus strand) and 26 more. Cytogenetic location: 15q13.2-13.3.
Variant type: copy number loss.
Change: copy number 1 (one copy instead of two) of chr15:30,592,358-32,121,422 (1.53 Mb, GRCh38 coordinates, 1-based), cytogenetic band 15q13.2-13.3.
Identifiers: ClinVar variation 58675 (VCV000058675.2).